The following is an entry in ClinVar:

ClinVar aggregate classification (germline): Uncertain significance (1 of 4 stars; one submission).

Conditions:
Creatine transporter deficiency (CCDS1). Also called: CEREBRAL CREATINE DEFICIENCY SYNDROME 1; Creatine Transporter (CRTR) Deficiency; Mental retardation , X-linked with seizures, short stature and midface hypoplasia; Mental retardation , X-linked, with creatine transport deficiency; X-linked creatine transporter deficiency; X-linked creatine deficiency syndrome. Identifiers: Orphanet 52503, MedGen C1845862, MONDO:0010305, OMIM 300352.

Submission:

Labcorp Genetics (formerly Invitae), Labcorp
Classification: Uncertain significance for Creatine transporter deficiency. Last evaluated: 2023-06-07. Review status: criteria provided, single submitter. Criteria: Invitae Variant Classification Sherloc (09022015). Collection method: clinical testing. Allele origin: germline.
Comment: Advanced modeling of protein sequence and biophysical properties (such as structural, functional, and spatial information, amino acid conservation, physicochemical variation, residue mobility, and thermodynamic stability) performed at Invitae indicates that this missense variant is not expected to disrupt SLC6A8 protein function. This variant has not been reported in the literature in individuals affected with SLC6A8-related conditions. This variant is not present in population databases (gnomAD no frequency). This sequence change replaces arginine, which is basic and polar, with leucine, which is neutral and non-polar, at codon 46 of the SLC6A8 protein (p.Arg46Leu). In summary, the available evidence is currently insufficient to determine the role of this variant in disease. Therefore, it has been classified as a Variant of Uncertain Significance.

NM_005629.4(SLC6A8):c.137G>T (p.Arg46Leu)

Gene: SLC6A8 (solute carrier family 6 member 8; plus strand). Cytogenetic location: Xq28.
Variant type: single nucleotide variant.
Coding change: c.137G>T on transcript NM_005629.4 (MANE Select); coding-DNA position 137, G replaced by T.
Protein change: p.Arg46Leu; replaces arginine 46 with leucine.
Molecular consequence: missense variant.
Genome position (GRCh38, 1-based): chrX:153,688,711, G>T. VCF-style: chrX-153688711-G-T. GRCh37 (hg19) VCF-style: chrX-152954166-G-T.
Other names: c.137G>T, p.Arg46Leu (NM_001142805.2); short protein forms R46L.
Identifiers: ClinVar variation 2849007 (VCV002849007.3), dbSNP rs781975330, ClinGen allele CA415076433.
Genomic context (GRCh38, chrX:153,688,711, plus strand): 5'-GGCCCGACGGGGCCCCGGCCAAGGGCGACGGCCCCGTGGGCCTGGGGACACCCGGCGGCC[G>T]CCTGGCCGTGCCGCCGCGCGAGACCTGGACGCGCCAGATGGACTTCATCATGTCGTGCGT-3'
Protein context (NP_005620.1, residues 36-56): GPVGLGTPGG[Arg46Leu]LAVPPRETWT